The following is an entry in ClinVar:

NC_000023.10:g.(?_77271231)_(77271398_?)del

Gene: ATP7A (ATPase copper transporting alpha; plus strand). Cytogenetic location: Xq21.1.
Variant type: Deletion.
Identifiers: ClinVar variation 533690 (VCV000533690.6).

ClinVar aggregate classification (germline): Pathogenic (1 of 4 stars; one submission).

Conditions:
Menkes kinky-hair syndrome (MNK). Also called: Classic Menkes Disease; Copper transport disease; Menkes Disease. Identifiers: Orphanet 565, MedGen C0022716, MONDO:0010651, OMIM 309400.
Cutis laxa, X-linked (OHS). Also called: EDS IX; Occipital horn syndrome. Identifiers: Orphanet 198, MedGen C0268353, MONDO:0010572, OMIM 304150.
X-linked distal spinal muscular atrophy type 3. Also called: NEURONOPATHY, DISTAL HEREDITARY MOTOR, X-LINKED; NEUROPATHY, DISTAL HEREDITARY MOTOR, X-LINKED; ATP7A-Related Distal Motor Neuropathy; SPINAL MUSCULAR ATROPHY, DISTAL, X-LINKED RECESSIVE. Identifiers: Orphanet 139557, MedGen C1845359, MONDO:0010338, OMIM 300489.

Submission:

Labcorp Genetics (formerly Invitae), Labcorp
Classification: Pathogenic for X-linked distal spinal muscular atrophy type 3; Cutis laxa, X-linked; Menkes kinky-hair syndrome. Last evaluated: 2021-05-29. Review status: criteria provided, single submitter. Criteria: Invitae Variant Classification Sherloc (09022015). Collection method: clinical testing. Allele origin: germline.
Comment: For these reasons, this variant has been classified as Pathogenic. Loss-of-function variants in ATP7A are known to be pathogenic (PMID: 11241493, 20652413). This variant has not been reported in the literature in individuals with ATP7A-related disease. This variant is an out-of-frame deletion of the genomic region encompassing exon 12 of the ATP7A gene. This is expected to create a premature translational stop signal and result in an absent or disrupted protein product.

Literature cited by the submitters: PubMed 11241493; PubMed 20652413.